The following is an entry in ClinVar:

ClinVar aggregate classification (germline): Uncertain significance (1 of 4 stars; one submission).

Conditions:
Cohen-Gibson syndrome (COGIS). Also called: EED-Related Overgrowth. Identifiers: Orphanet 659396, MedGen C4479654, MONDO:0060510, OMIM 617561.

Allele frequency attached by ClinVar (database versions not stated): gnomAD exomes below 0.00001; TOPMed below 0.00001; ExAC 0.00001; gnomAD 0.00001.
gnomAD v4.1: 2 of 1,598,946 alleles (0.00013%); highest among the groups gnomAD compares: African/African-American, 0.0027%; no homozygotes.

Submission:

Labcorp Genetics (formerly Invitae), Labcorp
Classification: Uncertain significance for Cohen-Gibson syndrome. Last evaluated: 2018-11-19. Review status: criteria provided, single submitter. Criteria: Invitae Variant Classification Sherloc (09022015). Collection method: clinical testing. Allele origin: germline.
Comment: Algorithms developed to predict the effect of missense changes on protein structure and function output the following: SIFT: "Tolerated"; PolyPhen-2: "Benign"; Align-GVGD: "Class C0". The valine amino acid residue is found in multiple mammalian species, suggesting that this missense change does not adversely affect protein function. These predictions have not been confirmed by published functional studies and their clinical significance is uncertain. This variant has not been reported in the literature in individuals with EED-related disease. This variant is present in population databases (rs781731485, ExAC 0.01%). This sequence change replaces isoleucine with valine at codon 294 of the EED protein (p.Ile294Val). The isoleucine residue is highly conserved and there is a small physicochemical difference between isoleucine and valine. In summary, the available evidence is currently insufficient to determine the role of this variant in disease. Therefore, it has been classified as a Variant of Uncertain Significance.

NM_003797.5(EED):c.880A>G (p.Ile294Val)

Gene: EED (embryonic ectoderm development; plus strand). Cytogenetic location: 11q14.2.
Variant type: single nucleotide variant.
Coding change: c.880A>G on transcript NM_003797.5 (MANE Select); coding-DNA position 880, A replaced by G.
Protein change: p.Ile294Val; replaces isoleucine 294 with valine.
Molecular consequence: missense variant. On other transcripts: intron variant (1).
Genome position (GRCh38, 1-based): chr11:86,268,475, A>G. VCF-style: chr11-86268475-A-G. GRCh37 (hg19) VCF-style: chr11-85979517-A-G.
Other names: c.880A>G, p.Ile294Val (NM_001308007.2); c.726+4212A>G (NM_001330334.2); short protein forms I294V.
Identifiers: ClinVar variation 659525 (VCV000659525.8), dbSNP rs781731485, ClinGen allele CA6216520.
Genomic context (GRCh38, chr11:86,268,475, plus strand): 5'-ATTTTTTCTTTTAACTTTTTACATTTCCATTCTTCCTTCAGGCCATTTATTTCTCAGAAA[A>G]TCCATTTTCCTGATTTTTCTACCAGAGACATACATAGGAATTATGTTGATTGTGTGCGAT-3'
Protein context (NP_003788.2, residues 284-304): KTNRPFISQK[Ile294Val]HFPDFSTRDI